The following is an entry in ClinVar:

NM_001042492.3(NF1):c.1372C>T (p.Pro458Ser)

Gene: NF1 (neurofibromin 1; plus strand). Cytogenetic location: 17q11.2.
Variant type: single nucleotide variant.
Coding change: c.1372C>T on transcript NM_001042492.3 (MANE Select); coding-DNA position 1372, C replaced by T.
Protein change: p.Pro458Ser; replaces proline 458 with serine.
Molecular consequence: missense variant.
Genome position (GRCh38, 1-based): chr17:31,206,351, C>T. VCF-style: chr17-31206351-C-T. GRCh37 (hg19) VCF-style: chr17-29533369-C-T.
Other names: c.1372C>T, p.Pro458Ser (NM_000267.4, NM_001128147.3); short protein forms P458S.
Identifiers: ClinVar variation 1771074 (VCV001771074.2), dbSNP rs1597688990, ClinGen allele CA398999795.

ClinVar aggregate classification (germline): Uncertain significance (1 of 4 stars; one submission).

Conditions:
Cardiovascular phenotype. Identifiers: MedGen CN230736.
Hereditary cancer-predisposing syndrome. Also called: Hereditary Cancer Syndrome; Hereditary neoplastic syndrome; Neoplastic Syndromes, Hereditary; Tumor predisposition. Identifiers: Orphanet 140162, MedGen C0027672, MeSH D009386, MONDO:0015356.

Submission:

Ambry Genetics
Classification: Uncertain significance for Cardiovascular phenotype; Hereditary cancer-predisposing syndrome. Last evaluated: 2021-01-04. Review status: criteria provided, single submitter. Criteria: Ambry Variant Classification Scheme 2023. Collection method: clinical testing. Allele origin: germline.
Comment: The p.P458S variant (also known as c.1372C>T), located in coding exon 12 of the NF1 gene, results from a C to T substitution at nucleotide position 1372. The proline at codon 458 is replaced by serine, an amino acid with similar properties. This amino acid position is not well conserved in available vertebrate species. In addition, this alteration is predicted to be tolerated by in silico analysis. Since supporting evidence is limited at this time, the clinical significance of this alteration remains unclear.